The following is an entry in ClinVar:

ClinVar aggregate classification (germline): Likely pathogenic (1 of 4 stars; one submission).

Conditions:
MSH5-related disorder. Also called: MSH5-related condition.

gnomAD v4.1: 1 of 1,614,182 alleles (0.000062%); highest among the groups gnomAD compares: Non-Finnish European, 0.000085%; no homozygotes.

Submission:

PreventionGenetics, part of Exact Sciences
Classification: Likely pathogenic for MSH5-related condition. Last evaluated: 2026-07-21. Review status: criteria provided, single submitter. Criteria: ACMG Guidelines, 2015. Collection method: clinical testing. Allele origin: germline.
Comment: The MSH5 c.1050G>A variant is predicted to result in premature protein termination (p.Trp350*). To our knowledge, this variant has not been reported in the literature or in a large population database (gnomAD), indicating this variant is rare. Nonsense variants in MSH5 are expected to be pathogenic. This variant is interpreted as likely pathogenic.

NM_172166.4(MSH5):c.999G>A (p.Trp333Ter)

Genes: MSH5 (mutS homolog 5; plus strand), MSH5-SAPCD1 (MSH5-SAPCD1 readthrough (NMD candidate); plus strand). Cytogenetic location: 6p21.33.
Variant type: single nucleotide variant.
Coding change: c.999G>A on transcript NM_172166.4 (MANE Select); coding-DNA position 999, G replaced by A.
Protein change: p.Trp333Ter; replaces tryptophan 333 with a stop codon.
Molecular consequence: nonsense. On other transcripts: non-coding transcript variant (1).
Genome position (GRCh38, 1-based): chr6:31,753,614, G>A. VCF-style: chr6-31753614-G-A. GRCh37 (hg19) VCF-style: chr6-31721391-G-A.
Other names: c.999G>A, p.Trp333Ter (NM_002441.5, NM_172165.4); c.1050G>A, p.Trp350Ter (NM_025259.6); short protein forms W333*, W350*.
Identifiers: ClinVar variation 4982571 (VCV004982571.1).
Genomic context (GRCh38, chr6:31,753,614, plus strand): 5'-TGTCTGACTGTAGCTGATTCTGAAACGCATGAAGTTGTCCCACACCAAGGTCAGCGACTG[G>A]CAGGTTCTCTACAAGGTAAGGCCTTCCTTCTTGAATCCCAAAAGTCCAGGTAAAGGCCCT-3'